The following is an entry in ClinVar:

ClinVar aggregate classification (germline): Conflicting classifications of pathogenicity. Review status: criteria provided, conflicting classifications (1 of 4 stars). 2 submissions from 2 submitters: Uncertain significance (1); Likely benign (1). Last evaluated 2025-12-15.

Conditions:
Myofibrillar myopathy 5. Also called: Filaminopathy (type); FILAMINOPATHY, AUTOSOMAL DOMINANT. Identifiers: Orphanet 171445, MedGen C1836050, MONDO:0012289, OMIM 609524.
Distal myopathy with posterior leg and anterior hand involvement. Also called: WILLIAMS DISTAL MYOPATHY. Identifiers: Orphanet 63273, MedGen C3279722, MONDO:0013550, OMIM 614065.
Hypertrophic cardiomyopathy 26. Also called: Cardiomyopathy, familial hypertrophic, 26. Identifiers: Orphanet 75249, MedGen C4310749, MONDO:0014883, OMIM 617047.
Cardiovascular phenotype. Identifiers: MedGen CN230736.

Allele frequency attached by ClinVar (database versions not stated): gnomAD 0.00001; TOPMed 0.00001; ExAC 0.00004; gnomAD exomes 0.00004.
gnomAD v4.1: 25 of 1,612,972 alleles (0.0015%); highest among the groups gnomAD compares: South Asian, 0.0044%; no homozygotes.

Submissions (2):

Labcorp Genetics (formerly Invitae), Labcorp
Classification: Likely benign for Distal myopathy with posterior leg and anterior hand involvement; Myofibrillar myopathy 5; Hypertrophic cardiomyopathy 26. Last evaluated: 2025-12-15. Review status: criteria provided, single submitter. Criteria: Invitae Variant Classification Sherloc (09022015). Collection method: clinical testing. Allele origin: germline.

Ambry Genetics
Classification: Uncertain significance for Cardiovascular phenotype. Last evaluated: 2025-06-17. Review status: criteria provided, single submitter. Criteria: Ambry Variant Classification Scheme 2023. Collection method: clinical testing. Allele origin: germline.
Comment: The p.D1043N variant (also known as c.3127G>A), located in coding exon 20 of the FLNC gene, results from a G to A substitution at nucleotide position 3127. The aspartic acid at codon 1043 is replaced by asparagine, an amino acid with highly similar properties. This amino acid position is highly conserved in available vertebrate species. In addition, this alteration is predicted to be tolerated by in silico analysis. Since supporting evidence is limited at this time, the clinical significance of this alteration remains unclear.

NM_001458.5(FLNC):c.3127G>A (p.Asp1043Asn)

Gene: FLNC (filamin C; plus strand). Cytogenetic location: 7q32.1.
Variant type: single nucleotide variant.
Coding change: c.3127G>A on transcript NM_001458.5 (MANE Select); coding-DNA position 3127, G replaced by A.
Protein change: p.Asp1043Asn; replaces aspartic acid 1043 with asparagine.
Molecular consequence: missense variant.
Genome position (GRCh38, 1-based): chr7:128,844,201, G>A. VCF-style: chr7-128844201-G-A. GRCh37 (hg19) VCF-style: chr7-128484255-G-A.
Other names: c.3127G>A, p.Asp1043Asn (NM_001127487.2); short protein forms D1043N.
Identifiers: ClinVar variation 962291 (VCV000962291.13), dbSNP rs755896041, ClinGen allele CA4474959.